The following is an entry in ClinVar:

ClinVar aggregate classification (germline): Uncertain significance. Review status: criteria provided, multiple submitters, no conflicts (2 of 4 stars). 2 submissions from 2 submitters: Uncertain significance (2). Last evaluated 2025-12-22.

Conditions:
VLDLR-related disorder. Also called: VLDLR-related condition.
Inborn genetic diseases. Identifiers: MedGen C0950123, MeSH D030342.

Allele frequency attached by ClinVar (database versions not stated): TOPMed 0.00003; gnomAD 0.00005; gnomAD exomes 0.00006; ExAC 0.00007.
gnomAD v4.1: 96 of 1,614,080 alleles (0.0059%); highest among the groups gnomAD compares: South Asian, 0.011%; no homozygotes.

Submissions (2):

Ambry Genetics
Classification: Uncertain significance for Inborn genetic diseases. Last evaluated: 2025-12-22. Review status: criteria provided, single submitter. Criteria: Ambry Variant Classification Scheme 2023. Collection method: clinical testing. Allele origin: germline.

PreventionGenetics, part of Exact Sciences
Classification: Uncertain significance for VLDLR-related condition. Last evaluated: 2025-09-15. Review status: criteria provided, single submitter. Criteria: ACMG Guidelines, 2015. Collection method: clinical testing. Allele origin: germline.
Comment: The VLDLR c.2012A>G variant is predicted to result in the amino acid substitution p.Asn671Ser. To our knowledge, this variant has not been reported in the literature. This variant is reported in 0.026% of alleles in individuals of South Asian descent in gnomAD. At this time, the clinical significance of this variant is uncertain due to the absence of conclusive functional and genetic evidence.

NM_003383.5(VLDLR):c.2012A>G (p.Asn671Ser)

Gene: VLDLR (very low density lipoprotein receptor; plus strand). Cytogenetic location: 9p24.2.
Variant type: single nucleotide variant.
Coding change: c.2012A>G on transcript NM_003383.5 (MANE Select); coding-DNA position 2012, A replaced by G.
Protein change: p.Asn671Ser; replaces asparagine 671 with serine.
Molecular consequence: missense variant.
Genome position (GRCh38, 1-based): chr9:2,648,718, A>G. VCF-style: chr9-2648718-A-G. GRCh37 (hg19) VCF-style: chr9-2648718-A-G.
Other names: c.2012A>G, p.Asn671Ser (NM_001018056.3); c.1889A>G, p.Asn630Ser (NM_001322225.2, NM_001322226.2); c.2012A>G (NM_003383.4); short protein forms N630S, N671S.
Identifiers: ClinVar variation 2593182 (VCV002593182.4), dbSNP rs752414494, ClinGen allele CA4965032.